The following is an entry in ClinVar:

ClinVar aggregate classification (germline): Uncertain significance (1 of 4 stars; one submission).

Submission:

Labcorp Genetics (formerly Invitae), Labcorp
Classification: Uncertain significance. Last evaluated: 2024-02-23. Review status: criteria provided, single submitter. Criteria: Invitae Variant Classification Sherloc (09022015). Collection method: clinical testing. Allele origin: germline.
Comment: This sequence change replaces glycine, which is neutral and non-polar, with alanine, which is neutral and non-polar, at codon 1677 of the CDH23 protein (p.Gly1677Ala). This variant is not present in population databases (gnomAD no frequency). This variant has not been reported in the literature in individuals affected with CDH23-related conditions. ClinVar contains an entry for this variant (Variation ID: 1363457). Advanced modeling of protein sequence and biophysical properties (such as structural, functional, and spatial information, amino acid conservation, physicochemical variation, residue mobility, and thermodynamic stability) has been performed at Invitae for this missense variant, however the output from this modeling did not meet the statistical confidence thresholds required to predict the impact of this variant on CDH23 protein function. In summary, the available evidence is currently insufficient to determine the role of this variant in disease. Therefore, it has been classified as a Variant of Uncertain Significance.

NM_022124.6(CDH23):c.5030G>C (p.Gly1677Ala)

Gene: CDH23 (cadherin related 23; plus strand). Cytogenetic location: 10q22.1.
Variant type: single nucleotide variant.
Coding change: c.5030G>C on transcript NM_022124.6 (MANE Select); coding-DNA position 5030, G replaced by C.
Protein change: p.Gly1677Ala; replaces glycine 1677 with alanine.
Molecular consequence: missense variant.
Genome position (GRCh38, 1-based): chr10:71,777,864, G>C. VCF-style: chr10-71777864-G-C. GRCh37 (hg19) VCF-style: chr10-73537621-G-C.
Other names: short protein forms G1677A.
Identifiers: ClinVar variation 1363457 (VCV001363457.8), dbSNP rs1465588529, ClinGen allele CA377140394.